The following is an entry in ClinVar:

ClinVar aggregate classification (germline): Uncertain significance (1 of 4 stars; one submission).

Conditions:
FGFR2-related craniosynostosis. Identifiers: MedGen CN231480.

Submission:

Labcorp Genetics (formerly Invitae), Labcorp
Classification: Uncertain significance for FGFR2-related craniosynostosis. Last evaluated: 2024-03-12. Review status: criteria provided, single submitter. Criteria: Invitae Variant Classification Sherloc (09022015). Collection method: clinical testing. Allele origin: germline.
Comment: This sequence change replaces valine, which is neutral and non-polar, with methionine, which is neutral and non-polar, at codon 743 of the FGFR2 protein (p.Val743Met). This variant is not present in population databases (gnomAD no frequency). This variant has not been reported in the literature in individuals affected with FGFR2-related conditions. Advanced modeling of protein sequence and biophysical properties (such as structural, functional, and spatial information, amino acid conservation, physicochemical variation, residue mobility, and thermodynamic stability) performed at Invitae indicates that this missense variant is expected to disrupt FGFR2 protein function with a positive predictive value of 95%. In summary, the available evidence is currently insufficient to determine the role of this variant in disease. Therefore, it has been classified as a Variant of Uncertain Significance.

NM_000141.5(FGFR2):c.2227G>A (p.Val743Met)

Gene: FGFR2 (fibroblast growth factor receptor 2; minus strand). Cytogenetic location: 10q26.13.
Variant type: single nucleotide variant.
Coding change: c.2227G>A on transcript NM_000141.5 (MANE Select); coding-DNA position 2227, G replaced by A.
Protein change: p.Val743Met; replaces valine 743 with methionine.
Molecular consequence: missense variant. On other transcripts: non-coding transcript variant (1).
Genome position (GRCh38, 1-based): chr10:121,483,772, C>T on the plus strand (G>A on the coding strand, the complement: FGFR2 is on the minus strand). VCF-style: chr10-121483772-C-T. GRCh37 (hg19) VCF-style: chr10-123243286-C-T.
Other names: c.2230G>A, p.Val744Met (NM_001144913.1, NM_022970.4); c.1891G>A, p.Val631Met (NM_001144914.1); c.1960G>A, p.Val654Met (NM_001144915.2, NM_023029.3); c.1882G>A, p.Val628Met (NM_001144916.2); c.1879G>A, p.Val627Met (NM_001144917.2); c.1876G>A, p.Val626Met (NM_001144918.2); c.1963G>A, p.Val655Met (NM_001144919.2); c.1543G>A, p.Val515Met (NM_001320654.2); and 1 more; short protein forms V626M, V627M, V628M, V631M, V655M, V741M, V744M, V515M.
Identifiers: ClinVar variation 3645500 (VCV003645500.2).